The following is an entry in ClinVar:

NM_000094.4(COL7A1):c.6216G>A (p.Gln2072=)

Gene: COL7A1 (collagen type VII alpha 1 chain; minus strand). Cytogenetic location: 3p21.31.
Variant type: single nucleotide variant.
Coding change: c.6216G>A on transcript NM_000094.4 (MANE Select); coding-DNA position 6216, G replaced by A.
Protein change: p.Gln2072=; no amino-acid change (glutamine 2072 retained).
Molecular consequence: synonymous variant.
Genome position (GRCh38, 1-based): chr3:48,575,207, C>T on the plus strand (G>A on the coding strand, the complement: COL7A1 is on the minus strand). VCF-style: chr3-48575207-C-T. GRCh37 (hg19) VCF-style: chr3-48612640-C-T.
Identifiers: ClinVar variation 2876579 (VCV002876579.4), dbSNP rs2530965631, ClinGen allele CA433538032.

ClinVar aggregate classification (germline): Uncertain significance. Review status: criteria provided, single submitter (1 of 4 stars). 2 submissions from 2 submitters: Uncertain significance (1). 1 of the submissions does not count toward it. Last evaluated 2024-03-07.

Conditions:
COL7A1-related disorder. Also called: COL7A1- related disorders; COL7A1-related condition.

Submissions (2):

Labcorp Genetics (formerly Invitae), Labcorp
Classification: Uncertain significance. Last evaluated: 2024-03-07. Review status: criteria provided, single submitter. Criteria: Invitae Variant Classification Sherloc (09022015). Collection method: clinical testing. Allele origin: germline.
Comment: This sequence change affects codon 2072 of the COL7A1 mRNA. It is a 'silent' change, meaning that it does not change the encoded amino acid sequence of the COL7A1 protein. This variant also falls at the last nucleotide of exon 74, which is part of the consensus splice site for this exon. This variant is not present in population databases (gnomAD no frequency). This variant has not been reported in the literature in individuals affected with COL7A1-related conditions. Variants that disrupt the consensus splice site are a relatively common cause of aberrant splicing (PMID: 17576681, 9536098). Algorithms developed to predict the effect of sequence changes on RNA splicing suggest that this variant may disrupt the consensus splice site. In summary, the available evidence is currently insufficient to determine the role of this variant in disease. Therefore, it has been classified as a Variant of Uncertain Significance.

PreventionGenetics, part of Exact Sciences
Classification: Uncertain significance for COL7A1-related condition. Last evaluated: 2024-08-28. Review status: no assertion criteria provided. Collection method: clinical testing. Allele origin: germline. Not counted in ClinVar's aggregate classification.
Comment: The COL7A1 c.6216G>A is a noncoding alteration. This variant resides in the last nucleotide of exon 74 and it is predicted to significantly weaken the consensus splice donor site based on available splicing prediction software (SpliceAI, Jaganathan et al. 2019. PubMed ID: 30661751; Alamut Visual Plus v1.6.1). However, the use of computer prediction software is not equivalent to functional evidence. To our knowledge, this variant has not been reported in the literature or in a large population database, indicating this variant is rare. At this time, the clinical significance of this variant is uncertain due to the absence of conclusive functional and genetic evidence.

Literature cited by the submitters: PubMed 17576681 (cited by Labcorp Genetics (formerly Invitae), Labcorp); PubMed 9536098 (cited by Labcorp Genetics (formerly Invitae), Labcorp).